The following is an entry in ClinVar:

ClinVar aggregate classification (germline): Conflicting classifications of pathogenicity. Review status: criteria provided, conflicting classifications (1 of 4 stars). 11 submissions from 11 submitters: Uncertain significance (7); Likely benign (1). 3 of the submissions do not count toward it. Last evaluated 2026-07-16.

Conditions:
BRCA1-related disorder. Also called: BRCA1-related condition.
Hereditary cancer-predisposing syndrome. Also called: Hereditary Cancer Syndrome; Neoplastic Syndromes, Hereditary; Hereditary neoplastic syndrome; Tumor predisposition. Identifiers: Orphanet 140162, MedGen C0027672, MeSH D009386, MONDO:0015356.
Hereditary breast ovarian cancer syndrome. Also called: Hereditary breast and ovarian cancer syndrome; Breast and ovarian cancer; BRCA1- and BRCA2-Associated Hereditary Breast and Ovarian Cancer; Hereditary breast and/or ovarian cancer syndrome; Hereditary breast and ovarian cancer; Hereditary breast and ovarian cancer syndrome (HBOC). Identifiers: Orphanet 145, MedGen C0677776, MeSH D061325, MONDO:0003582. Disease mechanism: loss of function.

Submissions (11):

PreventionGenetics, part of Exact Sciences
Classification: Uncertain significance for BRCA1-related condition. Last evaluated: 2026-07-16. Review status: criteria provided, single submitter. Criteria: ACMG Guidelines, 2015. Collection method: clinical testing. Allele origin: germline.
Comment: The BRCA1 c.3952A>G variant is predicted to result in the amino acid substitution p.Ile1318Val. This variant was reported in individuals with a personal or family history of breast and/or ovarian cancer (Meindl et al. 2002. PubMed ID: 11802209; Fanale et al. 2021. PubMed ID: 34178674). This variant occurs within a region of the BRCA1 gene that is predicted to be tolerant to missense variation (Table 2, Dines et al. 2020. PubMed ID: 31911673). This variant has not been reported in a large population database (gnomAD), indicating this variant is rare. This variant is interpreted as uncertain or likely benign in ClinVar (Variation ID: 55058). At this time, the clinical significance of this variant is uncertain due to the absence of conclusive functional and genetic evidence.

Labcorp Genetics (formerly Invitae), Labcorp
Classification: Uncertain significance for Hereditary breast ovarian cancer syndrome. Last evaluated: 2025-11-26. Review status: criteria provided, single submitter. Criteria: Invitae Variant Classification Sherloc (09022015). Collection method: clinical testing. Allele origin: germline.
Comment: This sequence change replaces isoleucine, which is neutral and non-polar, with valine, which is neutral and non-polar, at codon 1318 of the BRCA1 protein (p.Ile1318Val). This variant is not present in population databases (gnomAD no frequency). This missense change has been observed in individual(s) with breast and/or ovarian cancer (PMID: 10502781, 12457999, 34178674). ClinVar contains an entry for this variant (Variation ID: 55058). Invitae Evidence Modeling of protein sequence and biophysical properties (such as structural, functional, and spatial information, amino acid conservation, physicochemical variation, residue mobility, and thermodynamic stability) indicates that this missense variant is not expected to disrupt BRCA1 protein function with a negative predictive value of 80%. In summary, the available evidence is currently insufficient to determine the role of this variant in disease. Therefore, it has been classified as a Variant of Uncertain Significance.

Ambry Genetics
Classification: Uncertain significance for Hereditary cancer-predisposing syndrome. Last evaluated: 2025-01-16. Review status: criteria provided, single submitter. Criteria: Ambry Variant Classification Scheme 2023. Collection method: clinical testing. Allele origin: germline.
Comment: The p.I1318V variant (also known as c.3952A>G), located in coding exon 9 of the BRCA1 gene, results from an A to G substitution at nucleotide position 3952. The isoleucine at codon 1318 is replaced by valine, an amino acid with highly similar properties. This alteration has been reported in studies of families with hereditary breast and ovarian cancer (Arnold N et al. Hum. Mutat. 1999; 14(4):333-9; Meindl A et al. Int. J. Cancer 2002 Feb; 97(4):472-80). This amino acid position is well conserved in available vertebrate species. In addition, the in silico prediction for this alteration is inconclusive. Since supporting evidence is limited at this time, the clinical significance of this alteration remains unclear.

Quest Diagnostics Nichols Institute San Juan Capistrano
Classification: Uncertain significance. Last evaluated: 2024-07-29. Review status: criteria provided, single submitter. Criteria: Quest Diagnostics criteria. Collection method: clinical testing. Allele origin: unknown.

Color Diagnostics, LLC DBA Color Health
Classification: Uncertain significance for Hereditary cancer-predisposing syndrome. Last evaluated: 2023-09-05. Review status: criteria provided, single submitter. Criteria: ACMG Guidelines, 2015. Collection method: clinical testing. Allele origin: germline.
Comment: This missense variant replaces isoleucine with valine at codon 1318 of the BRCA1 protein. Computational prediction is inconclusive regarding the impact of this variant on protein structure and function (internally defined REVEL score threshold 0.5 < inconclusive < 0.7, PMID: 27666373). To our knowledge, functional studies have not been reported for this variant. This variant has been reported in at least one suspected hereditary breast and ovarian cancer family (PMID: 10502781, 11802209). This variant has not been identified in the general population by the Genome Aggregation Database (gnomAD). The available evidence is insufficient to determine the role of this variant in disease conclusively. Therefore, this variant is classified as a Variant of Uncertain Significance.

University of Washington Department of Laboratory Medicine, University of Washington
Classification: Likely benign for Hereditary cancer-predisposing syndrome. Last evaluated: 2023-03-23. Review status: criteria provided, single submitter. Criteria: Dines et al. (Genet Med. 2020). Collection method: curation. Allele origin: germline.
Comment: Missense variant in a coldspot region where missense variants are very unlikely to be pathogenic (PMID:31911673).

BRCA1 coldspot (exon 11 using historical exon numbering). Reclassification based on statistical prior probability

ARUP Laboratories, Molecular Genetics and Genomics, ARUP Laboratories
Classification: Uncertain significance. Last evaluated: 2021-04-02. Review status: criteria provided, single submitter. Criteria: ARUP Molecular Germline Variant Investigation Process 2021. Collection method: clinical testing. Allele origin: germline.
Comment: The BRCA1 c.3952A>G; p.Ile1318Val variant (rs397509121) is reported in the literature in at least two individuals affected with hereditary breast/ovarian cancer (Arnold 1999, Meindl 2002). This variant is absent from general population databases (Exome Variant Server, Genome Aggregation Database), indicating it is not a common polymorphism. The isoleucine at codon 1318 is weakly conserved, but computational analyses are uncertain whether this variant is neutral or deleterious (REVEL: 0.54). Due to limited information, the clinical significance of the p.Ile1318Val variant is uncertain at this time.

GeneDx
Classification: Uncertain significance. Last evaluated: 2021-02-09. Review status: criteria provided, single submitter. Criteria: GeneDx Variant Classification Process June 2021. Collection method: clinical testing. Allele origin: germline. Affected: yes.
Comment: Not observed in large population cohorts (Lek 2016); In silico analysis supports that this missense variant does not alter protein structure/function; Also known as 4071A>G; Observed in individuals with a family history of breast and/or ovarian cancer (Arnold 1999, Meindl 2002).; This variant is associated with the following publications: (PMID: 10502781, 11802209, 12457999, 28277317)

Clinical Genetics DNA and cytogenetics Diagnostics Lab, Erasmus MC, Erasmus Medical Center
Classification: Likely benign. Review status: no assertion criteria provided. Collection method: clinical testing. Allele origin: germline. Affected: yes. Study: VKGL Data-share Consensus. Not counted in ClinVar's aggregate classification.

Clinical Genetics Laboratory, Department of Pathology, Netherlands Cancer Institute
Classification: Likely benign. Review status: no assertion criteria provided. Collection method: clinical testing. Allele origin: germline. Affected: yes. Study: VKGL Data-share Consensus. Not counted in ClinVar's aggregate classification.

Joint Genome Diagnostic Labs from Nijmegen and Maastricht, Radboudumc and MUMC+
Classification: Likely benign. Review status: no assertion criteria provided. Collection method: clinical testing. Allele origin: germline. Affected: yes. Study: VKGL Data-share Consensus. Not counted in ClinVar's aggregate classification.

Literature cited by the submitters: PubMed 10502781 (cited by 4 submitters); PubMed 12457999 (cited by Labcorp Genetics (formerly Invitae), Labcorp and Quest Diagnostics Nichols Institute San Juan Capistrano); PubMed 34178674 (cited by Labcorp Genetics (formerly Invitae), Labcorp and Quest Diagnostics Nichols Institute San Juan Capistrano); PubMed 11802209 (cited by 3 submitters); PubMed 31911673 (cited by Quest Diagnostics Nichols Institute San Juan Capistrano).

NM_007294.4(BRCA1):c.3952A>G (p.Ile1318Val)

Genes: BRCA1 (BRCA1 DNA repair associated; minus strand), LOC126862571 (BRD4-independent group 4 enhancer GRCh37_chr17:41243136-41244335; plus strand). Cytogenetic location: 17q21.31.
Variant type: single nucleotide variant.
Coding change: c.3952A>G on transcript NM_007294.4 (MANE Select); coding-DNA position 3952, A replaced by G.
Protein change: p.Ile1318Val; replaces isoleucine 1318 with valine.
Molecular consequence: missense variant. On other transcripts: intron variant (135).
Genome position (GRCh38, 1-based): chr17:43,091,579, T>C on the plus strand (A>G on the coding strand, the complement: BRCA1 is on the minus strand). VCF-style: chr17-43091579-T-C. GRCh37 (hg19) VCF-style: chr17-41243596-T-C.
Other names: c.3739A>G, p.Ile1247Val (NM_001407571.1, NM_001407853.1, NM_001407894.1 and 9 more transcripts); c.3952A>G, p.Ile1318Val (NM_001407581.1, NM_001407582.1, NM_001407602.1 and 30 more transcripts); c.3949A>G, p.Ile1317Val (NM_001407610.1, NM_001407611.1, NM_001407612.1 and 22 more transcripts); c.3943A>G, p.Ile1315Val (NM_001407646.1, NM_001407647.1); c.3829A>G, p.Ile1277Val (NM_001407648.1, NM_001407664.1, NM_001407665.1 and 19 more transcripts); c.3826A>G, p.Ile1276Val (NM_001407649.1, NM_001407670.1, NM_001407671.1 and 11 more transcripts); c.3874A>G, p.Ile1292Val (NM_001407653.1, NM_001407654.1, NM_001407655.1 and 4 more transcripts); c.3871A>G, p.Ile1291Val (NM_001407659.1, NM_001407660.1, NM_001407661.1 and 1 more transcripts); and 41 more; short protein forms I1318V, I1271V, I1022V, I1150V, I1206V, I1248V, I1251V, I1276V.
Identifiers: ClinVar variation 55058 (VCV000055058.33), dbSNP rs397509121, ClinGen allele CA002531.
Genomic context (GRCh38, chr17:43,091,579, plus strand): 5'-TGTCACTCAGACCAACTCCCTGGCTTTCAGACTGATGCCTCATTTGTTTGGAAGAACCAA[T>C]CAAGAAAGGATCCTGGGTGTTTGTATTTGCAGTCAAGTCTTCCAATTCACTGCACTGTGA-3'
Protein context (NP_009225.1, residues 1308-1328): ANTNTQDPFL[Ile1318Val]GSSKQMRHQS